The following is an entry in ClinVar:

NM_020184.4(CNNM4):c.*965A>G

Gene: CNNM4 (cyclin and CBS domain divalent metal cation transport mediator 4; plus strand). Cytogenetic location: 2q11.2.
Variant type: single nucleotide variant.
Coding change: c.*965A>G on transcript NM_020184.4 (MANE Select); 965 bases downstream of the stop codon, A replaced by G.
Molecular consequence: 3 prime UTR variant.
Genome position (GRCh38, 1-based): chr2:96,810,482, A>G. VCF-style: chr2-96810482-A-G. GRCh37 (hg19) VCF-style: chr2-97476219-A-G.
Identifiers: ClinVar variation 337603 (VCV000337603.6), dbSNP rs3731941, ClinGen allele CA10616571.
Genomic context (GRCh38, chr2:96,810,482, plus strand): 5'-TCGGCGGGAGGGCATCTGTGTTGGAGGTGATTTGTCTGGGTTCTTCCTTTTGGTTCCAGA[A>G]GGAACTGTCAGTCATCAGCATCTGCGTTGTTAGCAGTCAGTACCACCCCCGCCCCACAAT-3'

ClinVar aggregate classification (germline): Benign. Review status: criteria provided, multiple submitters, no conflicts (2 of 4 stars). 2 submissions from 2 submitters: Benign (2). Last evaluated 2018-01-13.

Conditions:
Jalili syndrome. Also called: CONE-ROD DYSTROPHY AND AMELOGENESIS IMPERFECTA. Identifiers: Orphanet 1873, MedGen C3495589, MONDO:0009007, OMIM 217080.

Allele frequency attached by ClinVar (database versions not stated): gnomAD 0.07582 and 0.07687; TOPMed 0.07989; 1000 Genomes Project 0.07169; gnomAD exomes 0.03797; 1000 Genomes Project 30x 0.06902.
gnomAD v4.1: 11,633 of 152,728 alleles (7.6%); highest among the groups gnomAD compares: Middle Eastern, 17%; 494 homozygotes.

Submissions (2):

Illumina Laboratory Services, Illumina
Classification: Benign for Jalili syndrome. Last evaluated: 2018-01-13. Review status: criteria provided, single submitter. Criteria: ICSL Variant Classification Criteria 13 December 2019. Collection method: clinical testing. Allele origin: germline.
Comment: This variant was observed in the ICSL laboratory as part of a predisposition screen in an ostensibly healthy population. It had not been previously curated by ICSL or reported in the Human Gene Mutation Database (HGMD: prior to June 1st, 2018), and was therefore a candidate for classification through an automated scoring system. Utilizing variant allele frequency, disease prevalence and penetrance estimates, and inheritance mode, an automated score was calculated to assess if this variant is too frequent to cause the disease. Based on the score and internal cut-off values, a variant classified as benign is not then subjected to further curation. The score for this variant resulted in a classification of benign for this disease.

Breakthrough Genomics
Classification: Benign. Review status: criteria provided, single submitter. Criteria: ACMG Guidelines, 2015. Collection method: not provided. Allele origin: germline. Inheritance: Autosomal recessive inheritance. Affected: yes.